The following is an entry in ClinVar:

ClinVar aggregate classification (germline): Uncertain significance (1 of 4 stars; one submission).

Conditions:
Dilated cardiomyopathy 1O (CMD1O). Also called: CARDIOMYOPATHY, DILATED, WITH VENTRICULAR TACHYCARDIA. Identifiers: Orphanet 154, MedGen C1837839, MONDO:0012062, OMIM 608569.

Submission:

Labcorp Genetics (formerly Invitae), Labcorp
Classification: Uncertain significance for Dilated cardiomyopathy 1O. Last evaluated: 2024-11-27. Review status: criteria provided, single submitter. Criteria: Invitae Variant Classification Sherloc (09022015). Collection method: clinical testing. Allele origin: germline.
Comment: This sequence change replaces threonine, which is neutral and polar, with lysine, which is basic and polar, at codon 1257 of the ABCC9 protein (p.Thr1257Lys). This variant is not present in population databases (gnomAD no frequency). This variant has not been reported in the literature in individuals affected with ABCC9-related conditions. An algorithm developed to predict the effect of missense changes on protein structure and function (PolyPhen-2) suggests that this variant is likely to be tolerated. In summary, the available evidence is currently insufficient to determine the role of this variant in disease. Therefore, it has been classified as a Variant of Uncertain Significance.

NM_020297.4(ABCC9):c.3770C>A (p.Thr1257Lys)

Genes: ABCC9 (ATP binding cassette subfamily C member 9; minus strand), KCNJ8-AS1 (KCNJ8 antisense RNA 1; plus strand). Cytogenetic location: 12p12.1.
Variant type: single nucleotide variant.
Coding change: c.3770C>A on transcript NM_020297.4 (MANE Select); coding-DNA position 3770, C replaced by A.
Protein change: p.Thr1257Lys; replaces threonine 1257 with lysine.
Molecular consequence: missense variant.
Genome position (GRCh38, 1-based): chr12:21,818,151, G>T on the plus strand (C>A on the coding strand, the complement: ABCC9 is on the minus strand). VCF-style: chr12-21818151-G-T. GRCh37 (hg19) VCF-style: chr12-21971085-G-T.
Other names: c.3770C>A, p.Thr1257Lys (NM_001377273.1, NM_005691.4); c.2903C>A, p.Thr968Lys (NM_001377274.1); short protein forms T1257K, T968K.
Identifiers: ClinVar variation 3688615 (VCV003688615.2).